The following is an entry in ClinVar:

ClinVar aggregate classification (germline): Uncertain significance. Review status: criteria provided, multiple submitters, no conflicts (2 of 4 stars). 2 submissions from 2 submitters: Uncertain significance (2). Last evaluated 2025-08-01.

Conditions:
Nephrotic syndrome, IIa 26. Also called: Nephrotic syndrome, type 26. Identifiers: MedGen C5774221, MONDO:0031061, OMIM 620049.
Inborn genetic diseases. Identifiers: MedGen C0950123, MeSH D030342.

gnomAD v4.1: 29 of 1,597,084 alleles (0.0018%); highest among the groups gnomAD compares: Admixed American, 0.024%; no homozygotes.

Submissions (2):

Ambry Genetics
Classification: Uncertain significance for Inborn genetic diseases. Last evaluated: 2025-08-01. Review status: criteria provided, single submitter. Criteria: Ambry Variant Classification Scheme 2023. Collection method: clinical testing. Allele origin: germline.

Victorian Clinical Genetics Services, Murdoch Childrens Research Institute
Classification: Uncertain significance for Nephrotic syndrome, IIa 26. Last evaluated: 2024-11-25. Review status: criteria provided, single submitter. Criteria: ACMG Guidelines, 2015. Collection method: clinical testing. Allele origin: germline. Affected: yes.
Comment: This variant is classified as VUS-3B. Evidence in support of pathogenic classification: Variant is present in gnomAD <0.01 for a recessive condition (v4: 29 heterozygote(s), 0 homozygote(s)). Additional information: Variant is predicted to result in a missense amino acid change from glycine to aspartic acid; This variant is heterozygous; This gene is associated with autosomal recessive disease. There are limited reports on autosomal dominant FSGS and complex multisystem syndrome due to ECM dysfunction (PMID: 24130771, 28735299); Multiple alternative amino acid changes at the same position have been observed in gnomAD (v4) (highest allele count: 3 heterozygote(s), 0 homozygote(s)); This variant has no previous evidence of pathogenicity; No published segregation evidence has been identified for this variant; No published functional evidence has been identified for this variant; No comparable missense variants have previous evidence for pathogenicity; Variant is located in the annotated laminin EGF domain (DECIPHER); Missense variant with conflicting in silico predictions and uninformative conservation; Loss of function is a known mechanism of disease in this gene and is associated with nephrotic syndrome, type 26 (MIM#620049) and focal segmental glomerular sclerosis (FSGS; PMID: 24130771). The mechanism of disease associated with complex multisystem syndrome due to ECM dysfunction is currently unclear; Inheritance information for this variant is not currently available in this individual.

Literature cited by the submitters: PubMed 28735299 (cited by Victorian Clinical Genetics Services, Murdoch Childrens Research Institute); PubMed 24130771 (cited by Victorian Clinical Genetics Services, Murdoch Childrens Research Institute).

NM_005560.6(LAMA5):c.1793G>A (p.Gly598Asp)

Gene: LAMA5 (laminin subunit alpha 5; minus strand). Cytogenetic location: 20q13.33.
Variant type: single nucleotide variant.
Coding change: c.1793G>A on transcript NM_005560.6 (MANE Select); coding-DNA position 1793, G replaced by A.
Protein change: p.Gly598Asp; replaces glycine 598 with aspartic acid.
Molecular consequence: missense variant.
Genome position (GRCh38, 1-based): chr20:62,338,114, C>T on the plus strand (G>A on the coding strand, the complement: LAMA5 is on the minus strand). VCF-style: chr20-62338114-C-T. GRCh37 (hg19) VCF-style: chr20-60913170-C-T.
Other names: short protein forms G598D.
Identifiers: ClinVar variation 4096244 (VCV004096244.3).